The following is an entry in ClinVar:

ClinVar aggregate classification (germline): Uncertain significance (1 of 4 stars; one submission).

Submission:

Ambry Genetics
Classification: Uncertain significance. Last evaluated: 2022-07-08. Review status: criteria provided, single submitter. Criteria: Ambry Variant Classification Scheme 2023. Collection method: clinical testing. Allele origin: germline.
Comment: The p.A124V variant (also known as c.371C>T), located in coding exon 3 of the CTNNA3 gene, results from a C to T substitution at nucleotide position 371. The alanine at codon 124 is replaced by valine, an amino acid with similar properties. This amino acid position is conserved. In addition, this alteration is predicted to be tolerated by in silico analysis. Since supporting evidence is limited at this time, the clinical significance of this alteration remains unclear.

NM_013266.4(CTNNA3):c.371C>T (p.Ala124Val)

Gene: CTNNA3 (catenin alpha 3; minus strand). Cytogenetic location: 10q21.3.
Variant type: single nucleotide variant.
Coding change: c.371C>T on transcript NM_013266.4 (MANE Select); coding-DNA position 371, C replaced by T.
Protein change: p.Ala124Val; replaces alanine 124 with valine.
Molecular consequence: missense variant.
Genome position (GRCh38, 1-based): chr10:67,539,591, G>A on the plus strand (C>T on the coding strand, the complement: CTNNA3 is on the minus strand). VCF-style: chr10-67539591-G-A. GRCh37 (hg19) VCF-style: chr10-69299349-G-A.
Other names: c.371C>T, p.Ala124Val (NM_001127384.3); c.407C>T, p.Ala136Val (NM_001291133.2); short protein forms A124V, A136V.
Identifiers: ClinVar variation 1734272 (VCV001734272.2), dbSNP rs2492483037, ClinGen allele CA377097878.
Genomic context (GRCh38, chr10:67,539,591, plus strand): 5'-ACATCAATCATGTCCGCAAGGATAAGGAGTCTCGTCACCGCAGCCAGCAAGGCACGGGCA[G>A]CTTGAACCACAGCCTCCCTTTTTGGGAGAAAACAGGGGTCATCTGTAAATCTCTCAGCTG-3'
Protein context (NP_037398.2, residues 114-134): FLPKREAVVQ[Ala124Val]ARALLAAVTR